The following is an entry in ClinVar:

NM_001135022.2(ELMOD3):c.98A>G (p.Asp33Gly)

Gene: ELMOD3 (ELMO domain containing 3; plus strand). Cytogenetic location: 2p11.2.
Variant type: single nucleotide variant.
Coding change: c.98A>G on transcript NM_001135022.2 (MANE Select); coding-DNA position 98, A replaced by G.
Protein change: p.Asp33Gly; replaces aspartic acid 33 with glycine.
Molecular consequence: missense variant. On other transcripts: non-coding transcript variant (3).
Genome position (GRCh38, 1-based): chr2:85,362,229, A>G. VCF-style: chr2-85362229-A-G. GRCh37 (hg19) VCF-style: chr2-85589352-A-G.
Other names: c.98A>G, p.Asp33Gly (NM_001135021.2, NM_001135023.2, NM_001329791.2 and 3 more transcripts); short protein forms D33G.
Identifiers: ClinVar variation 3611425 (VCV003611425.2).

ClinVar aggregate classification (germline): Uncertain significance (1 of 4 stars; one submission).

gnomAD v4.1: 4 of 1,607,578 alleles (0.00025%); highest among the groups gnomAD compares: Non-Finnish European, 0.00034%; no homozygotes.

Submission:

Labcorp Genetics (formerly Invitae), Labcorp
Classification: Uncertain significance. Last evaluated: 2024-05-16. Review status: criteria provided, single submitter. Criteria: Invitae Variant Classification Sherloc (09022015). Collection method: clinical testing. Allele origin: germline.
Comment: This sequence change replaces aspartic acid, which is acidic and polar, with glycine, which is neutral and non-polar, at codon 33 of the ELMOD3 protein (p.Asp33Gly). This variant is present in population databases (no rsID available, gnomAD 0.007%). This variant has not been reported in the literature in individuals affected with ELMOD3-related conditions. Advanced modeling of protein sequence and biophysical properties (such as structural, functional, and spatial information, amino acid conservation, physicochemical variation, residue mobility, and thermodynamic stability) performed at Invitae indicates that this missense variant is not expected to disrupt ELMOD3 protein function with a negative predictive value of 80%. In summary, the available evidence is currently insufficient to determine the role of this variant in disease. Therefore, it has been classified as a Variant of Uncertain Significance.